The following is an entry in ClinVar:

ClinVar aggregate classification (germline): Uncertain significance (1 of 4 stars; one submission).

Allele frequency attached by ClinVar (database versions not stated): gnomAD 0.00001; gnomAD exomes 0.00001; TOPMed 0.00001.
gnomAD v4.1: 6 of 1,603,494 alleles (0.00037%); highest among the groups gnomAD compares: Non-Finnish European, 0.00051%; no homozygotes.

Submission:

Labcorp Genetics (formerly Invitae), Labcorp
Classification: Uncertain significance. Last evaluated: 2023-05-21. Review status: criteria provided, single submitter. Criteria: Invitae Variant Classification Sherloc (09022015). Collection method: clinical testing. Allele origin: germline.
Comment: This sequence change replaces glutamic acid, which is acidic and polar, with lysine, which is basic and polar, at codon 277 of the DSG1 protein (p.Glu277Lys). This variant is not present in population databases (gnomAD no frequency). This variant has not been reported in the literature in individuals affected with DSG1-related conditions. Advanced modeling of protein sequence and biophysical properties (such as structural, functional, and spatial information, amino acid conservation, physicochemical variation, residue mobility, and thermodynamic stability) performed at Invitae indicates that this missense variant is not expected to disrupt DSG1 protein function. In summary, the available evidence is currently insufficient to determine the role of this variant in disease. Therefore, it has been classified as a Variant of Uncertain Significance.

NM_001942.4(DSG1):c.829G>A (p.Glu277Lys)

Gene: DSG1 (desmoglein 1; plus strand). Cytogenetic location: 18q12.1.
Variant type: single nucleotide variant.
Coding change: c.829G>A on transcript NM_001942.4 (MANE Select); coding-DNA position 829, G replaced by A.
Protein change: p.Glu277Lys; replaces glutamic acid 277 with lysine.
Molecular consequence: missense variant.
Genome position (GRCh38, 1-based): chr18:31,334,026, G>A. VCF-style: chr18-31334026-G-A. GRCh37 (hg19) VCF-style: chr18-28913989-G-A.
Other names: short protein forms E277K.
Identifiers: ClinVar variation 2897216 (VCV002897216.3), dbSNP rs950332928, ClinGen allele CA297694379.
Genomic context (GRCh38, chr18:31,334,026, plus strand): 5'-TTCTCTCTCTTTCACACAGTTTGTGCTAAGAGTTTTCACTTCTTGTTTCAGTATACCATA[G>A]AAATTCAAGAAAATACTCTAAATTCAAATTTGCTCGAGATTAGAGTAATTGATTTGGATG-3'
Protein context (NP_001933.2, residues 267-287): PYMEQSSYTI[Glu277Lys]IQENTLNSNL